The following is an entry in ClinVar:

NM_006828.4(ASCC3):c.1396-3del

Gene: ASCC3 (activating signal cointegrator 1 complex subunit 3; minus strand). Cytogenetic location: 6q16.3.
Variant type: Deletion.
Coding change: c.1396-3del on transcript NM_006828.4 (MANE Select); 3 bases into the intron before coding-DNA position 1396, one base deleted (T; older notation c.1396-3delT).
Molecular consequence: intron variant.
Genome position (GRCh38, 1-based): chr6:100,767,348, A deleted on the plus strand (T on the coding strand, the reverse complement: ASCC3 is on the minus strand); the first of 10 consecutive A bases (chr6:100,767,348-100,767,357); deleting any one gives the same sequence. VCF-style (leftmost placement, unchanged base first): chr6-100767347-TA-T. GRCh37 (hg19) VCF-style: chr6-101215223-TA-T.
Other names: c.1396-3del (NM_001284271.2); c.1396-3delT (NM_006828.2).
Identifiers: ClinVar variation 418019 (VCV000418019.5), dbSNP rs11345864, ClinGen allele CA3938816.

ClinVar aggregate classification (germline): Benign. Review status: criteria provided, single submitter (1 of 4 stars). 3 submissions from 3 submitters: Benign (1). 2 of the submissions do not count toward it. Last evaluated 2016-03-24.

Submissions (3):

GeneDx
Classification: Benign. Last evaluated: 2016-03-24. Review status: criteria provided, single submitter. Criteria: GeneDx Variant Classification (06012015). Collection method: clinical testing. Allele origin: germline. Affected: yes.
Comment: This variant is considered likely benign or benign based on one or more of the following criteria: it is a conservative change, it occurs at a poorly conserved position in the protein, it is predicted to be benign by multiple in silico algorithms, and/or has population frequency not consistent with disease.

Clinical Genetics DNA and cytogenetics Diagnostics Lab, Erasmus MC, Erasmus Medical Center
Classification: Likely benign. Review status: no assertion criteria provided. Collection method: clinical testing. Allele origin: germline. Affected: yes. Study: VKGL Data-share Consensus. Not counted in ClinVar's aggregate classification.

Diagnostic Laboratory, Department of Genetics, University Medical Center Groningen
Classification: Benign. Review status: no assertion criteria provided. Collection method: clinical testing. Allele origin: germline. Affected: yes. Study: VKGL Data-share Consensus. Not counted in ClinVar's aggregate classification.